The following is an entry in ClinVar:

ClinVar aggregate classification (germline): Uncertain significance (1 of 4 stars; one submission).

Allele frequency attached by ClinVar (database versions not stated): TOPMed below 0.00001; gnomAD 0.00001.
gnomAD v4.1: 1 of 1,612,148 alleles (0.000062%); highest among the groups gnomAD compares: Non-Finnish European, 0.000085%; no homozygotes.

Submission:

Genetic Services Laboratory, University of Chicago
Classification: Uncertain significance. Last evaluated: 2021-02-23. Review status: criteria provided, single submitter. Criteria: ACMG Guidelines, 2015. Collection method: clinical testing. Allele origin: germline. Affected: no.
Comment: DNA sequence analysis of the NPAT gene demonstrated a sequence change in intron 14, c.2902-9C>A. This intronic variant is absent from known population databases (gnomAD) and is not clearly predicted to have a deleterious effect on splicing based on in silico splice prediction programs. This sequence change does not appear to have been previously described in patients with NPAT-related disorders. The functional significance of this sequence change is not known at present and its contribution to this patient's disease phenotype cannot definitively be determined.

NM_002519.3(NPAT):c.2902-9C>A

Gene: NPAT (nuclear protein, coactivator of histone transcription; minus strand). Cytogenetic location: 11q22.3.
Variant type: single nucleotide variant.
Coding change: c.2902-9C>A on transcript NM_002519.3 (MANE Select); 9 bases into the intron before coding-DNA position 2902, C replaced by A.
Molecular consequence: intron variant.
Genome position (GRCh38, 1-based): chr11:108,169,861, G>T on the plus strand (C>A on the coding strand, the complement: NPAT is on the minus strand). VCF-style: chr11-108169861-G-T. GRCh37 (hg19) VCF-style: chr11-108040588-G-T.
Other names: c.2902-9C>A (NM_001321307.1).
Identifiers: ClinVar variation 1337831 (VCV001337831.4), dbSNP rs1208509507, ClinGen allele CA671387138.